The following is an entry in ClinVar:

ClinVar aggregate classification (germline): Uncertain significance. Review status: criteria provided, multiple submitters, no conflicts (2 of 4 stars). 2 submissions from 2 submitters: Uncertain significance (2). Last evaluated 2024-12-09.

Conditions:
Hereditary cancer-predisposing syndrome. Also called: Tumor predisposition; Neoplastic Syndromes, Hereditary; Hereditary Cancer Syndrome; Hereditary neoplastic syndrome. Identifiers: Orphanet 140162, MedGen C0027672, MeSH D009386, MONDO:0015356.
Hereditary breast ovarian cancer syndrome. Also called: Hereditary breast and ovarian cancer; Breast and ovarian cancer; Hereditary breast and/or ovarian cancer syndrome; Hereditary breast and ovarian cancer syndrome; BRCA1- and BRCA2-Associated Hereditary Breast and Ovarian Cancer; Hereditary breast and ovarian cancer syndrome (HBOC). Identifiers: Orphanet 145, MedGen C0677776, MeSH D061325, MONDO:0003582. Disease mechanism: loss of function.

Submissions (2):

Labcorp Genetics (formerly Invitae), Labcorp
Classification: Uncertain significance for Hereditary breast ovarian cancer syndrome. Last evaluated: 2024-12-09. Review status: criteria provided, single submitter. Criteria: Invitae Variant Classification Sherloc (09022015). Collection method: clinical testing. Allele origin: germline.
Comment: This sequence change replaces proline, which is neutral and non-polar, with serine, which is neutral and polar, at codon 2639 of the BRCA2 protein (p.Pro2639Ser). This variant is not present in population databases (gnomAD no frequency). This missense change has been observed in individual(s) with breast cancer (PMID: 28993434). Invitae Evidence Modeling of protein sequence and biophysical properties (such as structural, functional, and spatial information, amino acid conservation, physicochemical variation, residue mobility, and thermodynamic stability) has been performed for this missense variant. However, the output from this modeling did not meet the statistical confidence thresholds required to predict the impact of this variant on BRCA2 protein function. In summary, the available evidence is currently insufficient to determine the role of this variant in disease. Therefore, it has been classified as a Variant of Uncertain Significance.

Ambry Genetics
Classification: Uncertain significance for Hereditary cancer-predisposing syndrome. Last evaluated: 2024-10-04. Review status: criteria provided, single submitter. Criteria: Ambry Variant Classification Scheme 2023. Collection method: clinical testing. Allele origin: germline.
Comment: The p.P2639S variant (also known as c.7915C>T), located in coding exon 16 of the BRCA2 gene, results from a C to T substitution at nucleotide position 7915. The proline at codon 2639 is replaced by serine, an amino acid with similar properties. This alteration has been detected in 1/2575 unselected patients with breast cancer and 0/2809 healthy control individuals from a Malaysian cohort (Wen WX et al. J Med Genet, 2018 Feb;55:97-103). This amino acid position is highly conserved in available vertebrate species. In addition, this alteration is predicted to be deleterious by in silico analysis. Based on the available evidence, the clinical significance of this variant remains unclear.

Literature cited by the submitters: PubMed 28993434 (cited by Labcorp Genetics (formerly Invitae), Labcorp and Ambry Genetics).

NM_000059.4(BRCA2):c.7915C>T (p.Pro2639Ser)

Gene: BRCA2 (BRCA2 DNA repair associated; plus strand). Cytogenetic location: 13q13.1.
Variant type: single nucleotide variant.
Coding change: c.7915C>T on transcript NM_000059.4 (MANE Select); coding-DNA position 7915, C replaced by T.
Protein change: p.Pro2639Ser; replaces proline 2639 with serine.
Molecular consequence: missense variant. On other transcripts: non-coding transcript variant (1).
Genome position (GRCh38, 1-based): chr13:32,362,632, C>T. VCF-style: chr13-32362632-C-T. GRCh37 (hg19) VCF-style: chr13-32936769-C-T.
Other names: c.7819C>T, p.Pro2607Ser (NM_001406719.1); c.7915C>T, p.Pro2639Ser (NM_001406720.1, NM_001432077.1); c.2983C>T, p.Pro995Ser (NM_001406721.1); c.1498C>T, p.Pro500Ser (NM_001406722.1); short protein forms P2639S, P995S, P2607S, P500S.
Identifiers: ClinVar variation 3482102 (VCV003482102.3).